The following is an entry in ClinVar:

NM_198578.4(LRRK2):c.563T>C (p.Phe188Ser)

Gene: LRRK2 (leucine rich repeat kinase 2; plus strand). Cytogenetic location: 12q12.
Variant type: single nucleotide variant.
Coding change: c.563T>C on transcript NM_198578.4 (MANE Select); coding-DNA position 563, T replaced by C.
Protein change: p.Phe188Ser; replaces phenylalanine 188 with serine.
Molecular consequence: missense variant.
Genome position (GRCh38, 1-based): chr12:40,238,095, T>C. VCF-style: chr12-40238095-T-C. GRCh37 (hg19) VCF-style: chr12-40631897-T-C.
Other names: short protein forms F188S.
Identifiers: ClinVar variation 1748793 (VCV001748793.3), dbSNP rs551650159, ClinGen allele CA6513122.

ClinVar aggregate classification (germline): Uncertain significance (1 of 4 stars; one submission).

Conditions:
Inborn genetic diseases. Identifiers: MedGen C0950123, MeSH D030342.

gnomAD v4.1: 61 of 1,613,314 alleles (0.0038%); highest among the groups gnomAD compares: South Asian, 0.067%; 1 homozygote.

Submission:

Ambry Genetics
Classification: Uncertain significance for Inborn genetic diseases. Last evaluated: 2026-09-11. Review status: criteria provided, single submitter. Criteria: Ambry Variant Classification Scheme 2023. Collection method: clinical testing. Allele origin: germline.
Comment: The c.563T>C (p.F188S) alteration is located in exon 5 (coding exon 5) of the LRRK2 gene. This alteration results from a T to C substitution at nucleotide position 563, causing the phenylalanine (F) at amino acid position 188 to be replaced by a serine (S). Based on data from gnomAD, the C allele has an overall frequency of 0.006% (15/250916) total alleles studied. The highest observed frequency was 0.049% (15/30568) of South Asian alleles. Based on insufficient or conflicting evidence, the clinical significance of this alteration remains unclear.